The following is an entry in ClinVar:

ClinVar aggregate classification (germline): Uncertain significance (1 of 4 stars; one submission).

gnomAD v4.1: 3 of 1,549,388 alleles (0.00019%); highest among the groups gnomAD compares: Admixed American, 0.002%; no homozygotes.

Submission:

GeneDx
Classification: Uncertain significance. Last evaluated: 2024-10-10. Review status: criteria provided, single submitter. Criteria: GeneDx Variant Classification Process June 2021. Collection method: clinical testing. Allele origin: germline. Affected: yes.
Comment: Not observed at significant frequency in large population cohorts (gnomAD); In silico analysis indicates that this missense variant does not alter protein structure/function; Has not been previously published as pathogenic or benign to our knowledge

NM_001367561.1(DOCK7):c.2774A>G (p.Asp925Gly)

Gene: DOCK7 (dedicator of cytokinesis 7; minus strand). Cytogenetic location: 1p31.3.
Variant type: single nucleotide variant.
Coding change: c.2774A>G on transcript NM_001367561.1 (MANE Select); coding-DNA position 2774, A replaced by G.
Protein change: p.Asp925Gly; replaces aspartic acid 925 with glycine.
Molecular consequence: missense variant. On other transcripts: intron variant (3).
Genome position (GRCh38, 1-based): chr1:62,545,032, T>C on the plus strand (A>G on the coding strand, the complement: DOCK7 is on the minus strand). VCF-style: chr1-62545032-T-C. GRCh37 (hg19) VCF-style: chr1-63010703-T-C.
Other names: c.2774A>G, p.Asp925Gly (NM_001271999.2, NM_001330614.2); c.2767-1287A>G (NM_001272001.2, NM_001272000.2, NM_033407.4); short protein forms D925G.
Identifiers: ClinVar variation 3777474 (VCV003777474.1).
Genomic context (GRCh38, chr1:62,545,032, plus strand): 5'-GGGTTGGATCCCCATGGGGCAGCTTTTGGACCACCAGTGTTAACCCAGGAATTGGAGCGA[T>C]CTAAACCCTAAGCATATAATAGAAAGCAGTTTGAAAGGAAAGAAATATTACATGTTGCAT-3'
Protein context (NP_001354490.1, residues 915-935): VRSIIGSKGL[Asp925Gly]RSNSWVNTGG